The following is an entry in ClinVar:

NM_005228.5(EGFR):c.1080A>C (p.Lys360Asn)

Genes: EGFR (epidermal growth factor receptor; plus strand), LOC126860048 (P300/CBP strongly-dependent group 1 enhancer GRCh37_chr7:55223847-55225046; plus strand). Cytogenetic location: 7p11.2.
Variant type: single nucleotide variant.
Coding change: c.1080A>C on transcript NM_005228.5 (MANE Select); coding-DNA position 1080, A replaced by C.
Protein change: p.Lys360Asn; replaces lysine 360 with asparagine.
Molecular consequence: missense variant.
Genome position (GRCh38, 1-based): chr7:55,156,606, A>C. VCF-style: chr7-55156606-A-C. GRCh37 (hg19) VCF-style: chr7-55224299-A-C.
Other names: c.945A>C, p.Lys315Asn (NM_001346897.2, NM_001346899.2); c.1080A>C, p.Lys360Asn (NM_001346898.2, NM_201282.2, NM_201283.2 and 1 more transcripts); c.921A>C, p.Lys307Asn (NM_001346900.2); c.279A>C, p.Lys93Asn (NM_001346941.2); short protein forms K307N, K93N, K315N, K360N.
Identifiers: ClinVar variation 3012404 (VCV003012404.3), dbSNP rs2128938321, ClinGen allele CA367578351.

ClinVar aggregate classification (germline): Uncertain significance (1 of 4 stars; one submission).

Conditions:
EGFR-related lung cancer (EGFR). Identifiers: MedGen CN130014.

Submission:

Labcorp Genetics (formerly Invitae), Labcorp
Classification: Uncertain significance for EGFR-related lung cancer. Last evaluated: 2024-09-17. Review status: criteria provided, single submitter. Criteria: Invitae Variant Classification Sherloc (09022015). Collection method: clinical testing. Allele origin: germline.
Comment: This sequence change replaces lysine, which is basic and polar, with asparagine, which is neutral and polar, at codon 360 of the EGFR protein (p.Lys360Asn). This variant is not present in population databases (gnomAD no frequency). This variant has not been reported in the literature in individuals affected with EGFR-related conditions. Invitae Evidence Modeling of protein sequence and biophysical properties (such as structural, functional, and spatial information, amino acid conservation, physicochemical variation, residue mobility, and thermodynamic stability) indicates that this missense variant is not expected to disrupt EGFR protein function with a negative predictive value of 80%. In summary, the available evidence is currently insufficient to determine the role of this variant in disease. Therefore, it has been classified as a Variant of Uncertain Significance.